The following is an entry in ClinVar:

NM_025144.4(ALPK1):c.2600A>T (p.Asn867Ile)

Gene: ALPK1 (alpha kinase 1; plus strand). Cytogenetic location: 4q25.
Variant type: single nucleotide variant.
Coding change: c.2600A>T on transcript NM_025144.4 (MANE Select); coding-DNA position 2600, A replaced by T.
Protein change: p.Asn867Ile; replaces asparagine 867 with isoleucine.
Molecular consequence: missense variant.
Genome position (GRCh38, 1-based): chr4:112,432,147, A>T. VCF-style: chr4-112432147-A-T. GRCh37 (hg19) VCF-style: chr4-113353303-A-T.
Other names: c.2600A>T, p.Asn867Ile (NM_001102406.2); c.2366A>T, p.Asn789Ile (NM_001253884.2); short protein forms N867I, N789I.
Identifiers: ClinVar variation 4692063 (VCV004692063.1).
Genomic context (GRCh38, chr4:112,432,147, plus strand): 5'-ATGCCTCCACAGTGGATGAGGAGGGGCAACTGCTCGACAGCATGGATGTTCCCTGCACAA[A>T]TGGGCACGGCTCTCATAGACTGTGCATTCTGAGACAGCCGCCTGGTCAGAGGGCGGAGAC-3'
Protein context (NP_079420.3, residues 857-877): LLDSMDVPCT[Asn867Ile]GHGSHRLCIL

ClinVar aggregate classification (germline): Uncertain significance (1 of 4 stars; one submission).

gnomAD v4.1: 1 of 1,614,194 alleles (0.000062%); highest among the groups gnomAD compares: Non-Finnish European, 0.000085%; no homozygotes.

Submission:

Labcorp Genetics (formerly Invitae), Labcorp
Classification: Uncertain significance. Last evaluated: 2025-07-22. Review status: criteria provided, single submitter. Criteria: Invitae Variant Classification Sherloc (09022015). Collection method: clinical testing. Allele origin: germline.
Comment: This sequence change replaces asparagine, which is neutral and polar, with isoleucine, which is neutral and non-polar, at codon 867 of the ALPK1 protein (p.Asn867Ile). This variant is not present in population databases (gnomAD no frequency). This variant has not been reported in the literature in individuals affected with ALPK1-related conditions. An algorithm developed to predict the effect of missense changes on protein structure and function (PolyPhen-2) suggests that this variant is likely to be tolerated. In summary, the available evidence is currently insufficient to determine the role of this variant in disease. Therefore, it has been classified as a Variant of Uncertain Significance.